The following is an entry in ClinVar:

ClinVar aggregate classification (germline): Uncertain significance (0 of 4 stars; one submission).

Conditions:
MRAP2-related disorder. Also called: MRAP2-related condition.

gnomAD v4.1: 9 of 1,613,932 alleles (0.00056%); highest among the groups gnomAD compares: South Asian, 0.0011%; no homozygotes.

Submission:

PreventionGenetics, part of Exact Sciences
Classification: Uncertain significance for MRAP2-related condition. Last evaluated: 2024-05-21. Review status: no assertion criteria provided. Collection method: clinical testing. Allele origin: germline.
Comment: The MRAP2 c.288A>T variant is predicted to result in the amino acid substitution p.Arg96Ser. To our knowledge, this variant has not been reported in the literature or in a large population database, indicating this variant is rare. At this time, the clinical significance of this variant is uncertain due to the absence of conclusive functional and genetic evidence.

NM_138409.4(MRAP2):c.288A>T (p.Arg96Ser)

Gene: MRAP2 (melanocortin 2 receptor accessory protein 2; plus strand). Cytogenetic location: 6q14.2.
Variant type: single nucleotide variant.
Coding change: c.288A>T on transcript NM_138409.4 (MANE Select); coding-DNA position 288, A replaced by T.
Protein change: p.Arg96Ser; replaces arginine 96 with serine.
Molecular consequence: missense variant.
Genome position (GRCh38, 1-based): chr6:84,089,151, A>T. VCF-style: chr6-84089151-A-T. GRCh37 (hg19) VCF-style: chr6-84798870-A-T.
Other names: c.30A>T, p.Arg10Ser (NM_001346541.2); c.288A>T, p.Arg96Ser (NM_001346542.2, NM_001346544.2); c.123A>T, p.Arg41Ser (NM_001346543.2); short protein forms R10S, R41S, R96S.
Identifiers: ClinVar variation 3354023 (VCV003354023.1).